The following is an entry in ClinVar:

ClinVar aggregate classification (germline): Uncertain significance (1 of 4 stars; one submission).

Allele frequency attached by ClinVar (database versions not stated): gnomAD exomes below 0.00001; gnomAD 0.00001; TOPMed 0.00002.
gnomAD v4.1: 4 of 1,593,384 alleles (0.00025%); highest among the groups gnomAD compares: African/African-American, 0.004%; no homozygotes.

Submission:

GeneDx
Classification: Uncertain significance. Last evaluated: 2022-04-14. Review status: criteria provided, single submitter. Criteria: GeneDx Variant Classification Process June 2021. Collection method: clinical testing. Allele origin: germline. Affected: yes.
Comment: Not observed at significant frequency in large population cohorts (gnomAD); In silico analysis supports that this missense variant does not alter protein structure/function; Has not been previously published as pathogenic or benign to our knowledge

NM_001127178.3(PIGG):c.2249A>G (p.Lys750Arg)

Gene: PIGG (phosphatidylinositol glycan anchor biosynthesis class G (EMM blood group); plus strand). Cytogenetic location: 4p16.3.
Variant type: single nucleotide variant.
Coding change: c.2249A>G on transcript NM_001127178.3 (MANE Select); coding-DNA position 2249, A replaced by G.
Protein change: p.Lys750Arg; replaces lysine 750 with arginine.
Molecular consequence: missense variant. On other transcripts: non-coding transcript variant (10).
Genome position (GRCh38, 1-based): chr4:527,218, A>G. VCF-style: chr4-527218-A-G. GRCh37 (hg19) VCF-style: chr4-521007-A-G.
Other names: c.1982A>G, p.Lys661Arg (NM_001289051.2, NM_001345986.2); c.1850A>G, p.Lys617Arg (NM_001289052.2); c.1958A>G, p.Lys653Arg (NM_001345987.2); c.1220A>G, p.Lys407Arg (NM_001345988.2); c.716A>G, p.Lys239Arg (NM_001345990.2, NM_001345991.2); c.1151A>G, p.Lys384Arg (NM_001345994.2); c.2225A>G, p.Lys742Arg (NM_017733.5); short protein forms K239R, K384R, K407R, K617R, K653R, K661R, K742R, K750R.
Identifiers: ClinVar variation 1710610 (VCV001710610.2), dbSNP rs1383090563, ClinGen allele CA355909171.